The following is an entry in ClinVar:

NM_014363.6(SACS):c.12820A>G (p.Arg4274Gly)

Gene: SACS (sacsin molecular chaperone; minus strand). Cytogenetic location: 13q12.12.
Variant type: single nucleotide variant.
Coding change: c.12820A>G on transcript NM_014363.6 (MANE Select); coding-DNA position 12820, A replaced by G.
Protein change: p.Arg4274Gly; replaces arginine 4274 with glycine.
Molecular consequence: missense variant.
Genome position (GRCh38, 1-based): chr13:23,331,056, T>C on the plus strand (A>G on the coding strand, the complement: SACS is on the minus strand). VCF-style: chr13-23331056-T-C. GRCh37 (hg19) VCF-style: chr13-23905195-T-C.
Other names: c.12379A>G, p.Arg4127Gly (NM_001278055.2); short protein forms R4274G, R4127G.
Identifiers: ClinVar variation 576933 (VCV000576933.8), dbSNP rs1566055596, ClinGen allele CA387506853.
Genomic context (GRCh38, chr13:23,331,056, plus strand): 5'-ACTGATGTTTGGAAGAAGTCTTGTGGCTCTCTCTACCAGAGAAAAGAGGAGGAATGCTTC[T>C]CAGGCCAGGGGTGAGGAACTCAGTGGGGCTGGTTGGTGTAGAAGGAGCACTGTCCCTGCT-3'
Protein context (NP_055178.3, residues 4264-4284): SPTEFLTPGL[Arg4274Gly]SIPPLFSGRE

ClinVar aggregate classification (germline): Uncertain significance (1 of 4 stars; one submission).

Conditions:
Spastic paraplegia. Identifiers: MedGen C0037772, HP:0001258.

Submission:

Labcorp Genetics (formerly Invitae), Labcorp
Classification: Uncertain significance for Spastic paraplegia. Last evaluated: 2022-07-12. Review status: criteria provided, single submitter. Criteria: Invitae Variant Classification Sherloc (09022015). Collection method: clinical testing. Allele origin: germline.
Comment: This sequence change replaces arginine, which is basic and polar, with glycine, which is neutral and non-polar, at codon 4274 of the SACS protein (p.Arg4274Gly). This variant is not present in population databases (gnomAD no frequency). This variant has not been reported in the literature in individuals affected with SACS-related conditions. ClinVar contains an entry for this variant (Variation ID: 576933). Advanced modeling of protein sequence and biophysical properties (such as structural, functional, and spatial information, amino acid conservation, physicochemical variation, residue mobility, and thermodynamic stability) performed at Invitae indicates that this missense variant is not expected to disrupt SACS protein function. In summary, the available evidence is currently insufficient to determine the role of this variant in disease. Therefore, it has been classified as a Variant of Uncertain Significance.